The following is an entry in ClinVar:

ClinVar aggregate classification (germline): Conflicting classifications of pathogenicity. Review status: criteria provided, conflicting classifications (1 of 4 stars). 3 submissions from 3 submitters: Uncertain significance (1); Benign (1); Likely benign (1). Last evaluated 2024-10-16.

Conditions:
Prolonged electroretinal response suppression 1 (PERRS1). Also called: BRADYOPSIA 1. Identifiers: MedGen C5829874, MONDO:0958180, OMIM 608415.

Allele frequency attached by ClinVar (database versions not stated): gnomAD below 0.00001 and 0.00005; TOPMed 0.00001; gnomAD exomes 0.00008 and 0.00021; ExAC 0.00025; 1000 Genomes Project 30x 0.00047; 1000 Genomes Project 0.00060.
gnomAD v4.1: 128 of 1,611,244 alleles (0.0079%); highest among the groups gnomAD compares: South Asian, 0.13%; no homozygotes.

Submissions (3):

Blueprint Genetics
Classification: Benign. Last evaluated: 2024-10-16. Review status: criteria provided, single submitter. Criteria: ACMG Guidelines, 2015. Collection method: clinical testing. Allele origin: germline.

3billion
Classification: Likely benign for Prolonged electroretinal response suppression 1. Last evaluated: 2024-09-20. Review status: criteria provided, single submitter. Criteria: ACMG Guidelines, 2015. Collection method: clinical testing. Allele origin: germline. Affected: no.
Comment: The homozygous variant was found in patients diagnosed with another variant in a different gene, with no symptoms related to the gene containing the homozygous variant.

Labcorp Genetics (formerly Invitae), Labcorp
Classification: Uncertain significance. Last evaluated: 2022-02-24. Review status: criteria provided, single submitter. Criteria: Invitae Variant Classification Sherloc (09022015). Collection method: clinical testing. Allele origin: germline.
Comment: This sequence change replaces methionine, which is neutral and non-polar, with threonine, which is neutral and polar, at codon 546 of the RGS9 protein (p.Met546Thr). This variant is present in population databases (rs554468255, gnomAD 0.2%). This variant has not been reported in the literature in individuals affected with RGS9-related conditions. ClinVar contains an entry for this variant (Variation ID: 1008906). Algorithms developed to predict the effect of missense changes on protein structure and function (SIFT, PolyPhen-2, Align-GVGD) all suggest that this variant is likely to be tolerated. In summary, the available evidence is currently insufficient to determine the role of this variant in disease. Therefore, it has been classified as a Variant of Uncertain Significance.

NM_003835.4(RGS9):c.1637T>C (p.Met546Thr)

Gene: RGS9 (regulator of G protein signaling 9; plus strand). Cytogenetic location: 17q24.1.
Variant type: single nucleotide variant.
Coding change: c.1637T>C on transcript NM_003835.4 (MANE Select); coding-DNA position 1637, T replaced by C.
Protein change: p.Met546Thr; replaces methionine 546 with threonine.
Molecular consequence: missense variant.
Genome position (GRCh38, 1-based): chr17:65,225,231, T>C. VCF-style: chr17-65225231-T-C. GRCh37 (hg19) VCF-style: chr17-63221349-T-C.
Other names: c.1628T>C, p.Met543Thr (NM_001081955.3); short protein forms M543T, M546T.
Identifiers: ClinVar variation 1008906 (VCV001008906.6), dbSNP rs554468255, ClinGen allele CA8718109.